The following is an entry in ClinVar:

ClinVar aggregate classification (germline): Uncertain significance (1 of 4 stars; one submission).

Allele frequency attached by ClinVar (database versions not stated): gnomAD exomes below 0.00001.

Submission:

Labcorp Genetics (formerly Invitae), Labcorp
Classification: Uncertain significance. Last evaluated: 2025-01-20. Review status: criteria provided, single submitter. Criteria: Invitae Variant Classification Sherloc (09022015). Collection method: clinical testing. Allele origin: germline.
Comment: This sequence change replaces arginine, which is basic and polar, with cysteine, which is neutral and slightly polar, at codon 688 of the KAT6A protein (p.Arg688Cys). This variant is not present in population databases (gnomAD no frequency). This variant has not been reported in the literature in individuals affected with KAT6A-related conditions. ClinVar contains an entry for this variant (Variation ID: 2104667). Invitae Evidence Modeling of protein sequence and biophysical properties (such as structural, functional, and spatial information, amino acid conservation, physicochemical variation, residue mobility, and thermodynamic stability) has been performed for this missense variant. However, the output from this modeling did not meet the statistical confidence thresholds required to predict the impact of this variant on KAT6A protein function. In summary, the available evidence is currently insufficient to determine the role of this variant in disease. Therefore, it has been classified as a Variant of Uncertain Significance.

NM_006766.5(KAT6A):c.2062C>T (p.Arg688Cys)

Gene: KAT6A (lysine acetyltransferase 6A; minus strand). Cytogenetic location: 8p11.21.
Variant type: single nucleotide variant.
Coding change: c.2062C>T on transcript NM_006766.5 (MANE Select); coding-DNA position 2062, C replaced by T.
Protein change: p.Arg688Cys; replaces arginine 688 with cysteine.
Molecular consequence: missense variant.
Genome position (GRCh38, 1-based): chr8:41,943,914, G>A on the plus strand (C>T on the coding strand, the complement: KAT6A is on the minus strand). VCF-style: chr8-41943914-G-A. GRCh37 (hg19) VCF-style: chr8-41801432-G-A.
Other names: c.2062C>T, p.Arg688Cys (NM_001305878.2); short protein forms R688C.
Identifiers: ClinVar variation 2104667 (VCV002104667.4), dbSNP rs1587723372, ClinGen allele CA371073337.
Genomic context (GRCh38, chr8:41,943,914, plus strand): 5'-CATTTTGGTGATAAAGGCACTCCAATATTACACTTTTCCAATATGCCATGTAGGAAAGAC[G>A]ACCCAGATCAGATAACGGTTTCTCTGGAGACCCTGCTTGGCCTTCACGCTTTGATAACAA-3'
Protein context (NP_006757.2, residues 678-698): SPEKPLSDLG[Arg688Cys]LSYMAYWKSV